The following is an entry in ClinVar:

NM_004370.6(COL12A1):c.8934G>C (p.Gly2978=)

Gene: COL12A1 (collagen type XII alpha 1 chain; minus strand). Cytogenetic location: 6q13.
Variant type: single nucleotide variant.
Coding change: c.8934G>C on transcript NM_004370.6 (MANE Select); coding-DNA position 8934, G replaced by C.
Protein change: p.Gly2978=; no amino-acid change (glycine 2978 retained).
Molecular consequence: synonymous variant.
Genome position (GRCh38, 1-based): chr6:75,090,117, C>G on the plus strand (G>C on the coding strand, the complement: COL12A1 is on the minus strand). VCF-style: chr6-75090117-C-G. GRCh37 (hg19) VCF-style: chr6-75799833-C-G.
Other names: p.Gly2978=; c.8934G>C, p.Gly2978= (NM_001424113.1); c.8913G>C, p.Gly2971= (NM_001424114.1); c.8661G>C, p.Gly2887= (NM_001424115.1); c.5442G>C, p.Gly1814= (NM_001424116.1, NM_080645.3).
Identifiers: ClinVar variation 4683205 (VCV004683205.1).
Genomic context (GRCh38, chr6:75,090,117, plus strand): 5'-CTACATTTGCAAATTCCTTCCTTTATCCCAATACAGAAGCCAGAAATGCCTACCTCGTTC[C>G]CCAGGGGGTCCCTGCATCCCTGGTGTGCCCGGGAAGCCTGGCCGCCCCCCAGGCCCAGGT-3'
Protein context (NP_004361.3, residues 2968-2988): PGTPGMQGPP[Gly2978=]ERGLPGEKGE

ClinVar aggregate classification (germline): Likely benign (1 of 4 stars; one submission).

gnomAD v4.1: 3 of 1,613,362 alleles (0.00019%); highest among the groups gnomAD compares: East Asian, 0.0067%; no homozygotes.

Submission:

Mayo Clinic Laboratories, Mayo Clinic
Classification: Likely benign. Last evaluated: 2025-05-05. Review status: criteria provided, single submitter. Criteria: ACMG Guidelines, 2015. Collection method: clinical testing. Allele origin: germline. Observed: 1 variant allele.
Comment: BP4, BP7, PM2_supporting